The following is an entry in ClinVar:

ClinVar aggregate classification (germline): Uncertain significance. Review status: criteria provided, multiple submitters, no conflicts (2 of 4 stars). 2 submissions from 2 submitters: Uncertain significance (2). Last evaluated 2022-06-20.

Allele frequency attached by ClinVar (database versions not stated): ExAC 0.00005; gnomAD 0.00005; TOPMed 0.00005; gnomAD exomes 0.00010; ESP Exome Variant Server 0.00044.
gnomAD v4.1: 145 of 1,551,544 alleles (0.0093%); highest among the groups gnomAD compares: Non-Finnish European, 0.012%; no homozygotes.

Submissions (2):

Labcorp Genetics (formerly Invitae), Labcorp
Classification: Uncertain significance. Last evaluated: 2022-06-20. Review status: criteria provided, single submitter. Criteria: Invitae Variant Classification Sherloc (09022015). Collection method: clinical testing. Allele origin: germline.
Comment: This sequence change replaces proline, which is neutral and non-polar, with serine, which is neutral and polar, at codon 58 of the KPNA7 protein (p.Pro58Ser). This variant is present in population databases (rs370119594, gnomAD 0.01%). This variant has not been reported in the literature in individuals affected with KPNA7-related conditions. ClinVar contains an entry for this variant (Variation ID: 936925). Algorithms developed to predict the effect of missense changes on protein structure and function output the following: SIFT: "Tolerated"; PolyPhen-2: "Benign"; Align-GVGD: "Class C0". The serine amino acid residue is found in multiple mammalian species, which suggests that this missense change does not adversely affect protein function. In summary, the available evidence is currently insufficient to determine the role of this variant in disease. Therefore, it has been classified as a Variant of Uncertain Significance.

Ambry Genetics
Classification: Uncertain significance. Last evaluated: 2021-08-30. Review status: criteria provided, single submitter. Criteria: Ambry Variant Classification Scheme 2023. Collection method: clinical testing. Allele origin: germline.

NM_001145715.3(KPNA7):c.172C>T (p.Pro58Ser)

Gene: KPNA7 (karyopherin subunit alpha 7; minus strand). Cytogenetic location: 7q22.1.
Variant type: single nucleotide variant.
Coding change: c.172C>T on transcript NM_001145715.3 (MANE Select); coding-DNA position 172, C replaced by T.
Protein change: p.Pro58Ser; replaces proline 58 with serine.
Molecular consequence: missense variant.
Genome position (GRCh38, 1-based): chr7:99,203,135, G>A on the plus strand (C>T on the coding strand, the complement: KPNA7 is on the minus strand). VCF-style: chr7-99203135-G-A. GRCh37 (hg19) VCF-style: chr7-98800758-G-A.
Other names: short protein forms P58S.
Identifiers: ClinVar variation 936925 (VCV000936925.8), dbSNP rs370119594, ClinGen allele CA4363291.